The following is an entry in ClinVar:

NM_001042492.3(NF1):c.1677T>G (p.Asp559Glu)

Gene: NF1 (neurofibromin 1; plus strand). Cytogenetic location: 17q11.2.
Variant type: single nucleotide variant.
Coding change: c.1677T>G on transcript NM_001042492.3 (MANE Select); coding-DNA position 1677, T replaced by G.
Protein change: p.Asp559Glu; replaces aspartic acid 559 with glutamic acid.
Molecular consequence: missense variant.
Genome position (GRCh38, 1-based): chr17:31,221,885, T>G. VCF-style: chr17-31221885-T-G. GRCh37 (hg19) VCF-style: chr17-29548903-T-G.
Other names: c.1677T>G, p.Asp559Glu (NM_000267.4, NM_001128147.3); short protein forms D559E.
Identifiers: ClinVar variation 2452206 (VCV002452206.6), dbSNP rs1209447028, ClinGen allele CA399002284.
Genomic context (GRCh38, chr17:31,221,885, plus strand): 5'-TCTTTCTCTTTTTTAAAAAATTCAGGCTCTGCTGGTTCTTCATCAGTTAGATAGCATTGA[T>G]TTGTGGAATCCTGATGCTCCTGTAGAAACATTTTGGGAGATTAGGTATATGTACTTTTAT-3'
Protein context (NP_001035957.1, residues 549-569): LLVLHQLDSI[Asp559Glu]LWNPDAPVET

ClinVar aggregate classification (germline): Conflicting classifications of pathogenicity. Review status: criteria provided, conflicting classifications (1 of 4 stars). 2 submissions from 2 submitters: Uncertain significance (1); Likely benign (1). Last evaluated 2025-07-08.

Conditions:
Neurofibromatosis, type 1 (NF1). Also called: Peripheral type neurofibromatosis; Neurofibromatosis, type I; VON RECKLINGHAUSEN DISEASE; NEUROFIBROMATOSIS, TYPE I, SOMATIC. Identifiers: Orphanet 636, MedGen C0027831, MONDO:0018975, OMIM 162200. Disease mechanism: loss of function.
Cardiovascular phenotype. Identifiers: MedGen CN230736.
Hereditary cancer-predisposing syndrome. Also called: Hereditary neoplastic syndrome; Tumor predisposition; Neoplastic Syndromes, Hereditary; Hereditary Cancer Syndrome. Identifiers: Orphanet 140162, MedGen C0027672, MeSH D009386, MONDO:0015356.

Allele frequency attached by ClinVar (database versions not stated): gnomAD exomes below 0.00001.
gnomAD v4.1: 1 of 1,607,018 alleles (0.000062%); highest among the groups gnomAD compares: Non-Finnish European, 0.000085%; no homozygotes.

Submissions (2):

Labcorp Genetics (formerly Invitae), Labcorp
Classification: Uncertain significance for Neurofibromatosis, type 1. Last evaluated: 2025-07-08. Review status: criteria provided, single submitter. Criteria: Invitae Variant Classification Sherloc (09022015). Collection method: clinical testing. Allele origin: germline.
Comment: This sequence change replaces aspartic acid, which is acidic and polar, with glutamic acid, which is acidic and polar, at codon 559 of the NF1 protein (p.Asp559Glu). This variant is not present in population databases (gnomAD no frequency). This variant has not been reported in the literature in individuals affected with NF1-related conditions. ClinVar contains an entry for this variant (Variation ID: 2452206). Invitae Evidence Modeling of protein sequence and biophysical properties (such as structural, functional, and spatial information, amino acid conservation, physicochemical variation, residue mobility, and thermodynamic stability) indicates that this missense variant is not expected to disrupt NF1 protein function with a negative predictive value of 95%. In summary, the available evidence is currently insufficient to determine the role of this variant in disease. Therefore, it has been classified as a Variant of Uncertain Significance.

Ambry Genetics
Classification: Likely benign for Cardiovascular phenotype; Hereditary cancer-predisposing syndrome. Last evaluated: 2025-01-25. Review status: criteria provided, single submitter. Criteria: Ambry Variant Classification Scheme 2023. Collection method: clinical testing. Allele origin: germline.